The following is an entry in ClinVar:

NM_032830.3(UTP4):c.1018T>G (p.Cys340Gly)

Gene: UTP4 (UTP4 small subunit processome component). Cytogenetic location: 16q22.1.
Variant type: single nucleotide variant.
Coding change: c.1018T>G on transcript NM_032830.3 (MANE Select); coding-DNA position 1018, T replaced by G.
Protein change: p.Cys340Gly; replaces cysteine 340 with glycine.
Molecular consequence: missense variant.
Genome position (GRCh38, 1-based): chr16:69,153,599, T>G. VCF-style: chr16-69153599-T-G. GRCh37 (hg19) VCF-style: chr16-69187502-T-G.
Other names: c.769T>G, p.Cys257Gly (NM_001318391.2); short protein forms C257G, C340G.
Identifiers: ClinVar variation 3344141 (VCV003344141.1).

ClinVar aggregate classification (germline): Uncertain significance (0 of 4 stars; one submission).

Conditions:
UTP4-related disorder. Also called: UTP4-related condition.

gnomAD v4.1: 1 of 1,613,084 alleles (0.000062%); highest among the groups gnomAD compares: African/African-American, 0.0013%; no homozygotes.

Submission:

PreventionGenetics, part of Exact Sciences
Classification: Uncertain significance for UTP4-related condition. Last evaluated: 2024-06-27. Review status: no assertion criteria provided. Collection method: clinical testing. Allele origin: germline.
Comment: The UTP4 c.1018T>G variant is predicted to result in the amino acid substitution p.Cys340Gly. To our knowledge, this variant has not been reported in the literature. This variant is reported in 0.0062% of alleles in individuals of African descent in gnomAD. At this time, the clinical significance of this variant is uncertain due to the absence of conclusive functional and genetic evidence.